The following is an entry in ClinVar:

ClinVar aggregate classification (germline): Likely benign (1 of 4 stars; one submission).

gnomAD v4.1: 1 of 1,614,236 alleles (0.000062%); highest among the groups gnomAD compares: Admixed American, 0.0017%; no homozygotes.

Submission:

CeGaT Center for Human Genetics Tuebingen
Classification: Likely benign. Last evaluated: 2026-06-01. Review status: criteria provided, single submitter. Criteria: CeGaT Center For Human Genetics Tuebingen Variant Classification Criteria Version 2. Collection method: clinical testing. Allele origin: germline. Affected: yes. Observed: 1 variant allele.
Comment: FOXP1: BP4, BP7

NM_001349338.3(FOXP1):c.180+241A>C

Gene: FOXP1 (forkhead box P1; minus strand). Cytogenetic location: 3p13.
Variant type: single nucleotide variant.
Coding change: c.180+241A>C on transcript NM_001349338.3 (MANE Select); 241 bases into the intron after coding-DNA position 180, A replaced by C.
Molecular consequence: intron variant. On other transcripts: synonymous variant (1).
Genome position (GRCh38, 1-based): chr3:71,197,961, T>G on the plus strand (A>C on the coding strand, the complement: FOXP1 is on the minus strand). VCF-style: chr3-71197961-T-G. GRCh37 (hg19) VCF-style: chr3-71247112-T-G.
Other names: c.288A>C, p.Ala96= (NM_001012505.2); c.180+241A>C (NM_001244810.2, NM_032682.6, NM_001349340.3 and 5 more transcripts).
Identifiers: ClinVar variation 4873285 (VCV004873285.2).